The following is an entry in ClinVar:

NM_182961.4(SYNE1):c.10111G>A (p.Ala3371Thr)

Gene: SYNE1 (spectrin repeat containing nuclear envelope protein 1; minus strand). Cytogenetic location: 6q25.2.
Variant type: single nucleotide variant.
Coding change: c.10111G>A on transcript NM_182961.4 (MANE Select); coding-DNA position 10111, G replaced by A.
Protein change: p.Ala3371Thr; replaces alanine 3371 with threonine.
Molecular consequence: missense variant.
Genome position (GRCh38, 1-based): chr6:152,364,881, C>T on the plus strand (G>A on the coding strand, the complement: SYNE1 is on the minus strand). VCF-style: chr6-152364881-C-T. GRCh37 (hg19) VCF-style: chr6-152686016-C-T.
Other names: c.10132G>A, p.Ala3378Thr (NM_033071.5); short protein forms A3371T, A3378T.
Identifiers: ClinVar variation 3389296 (VCV003389296.14).

ClinVar aggregate classification (germline): Uncertain significance (1 of 4 stars; one submission).

gnomAD v4.1: 26 of 1,614,156 alleles (0.0016%); highest among the groups gnomAD compares: South Asian, 0.021%; no homozygotes.

Submission:

CeGaT Center for Human Genetics Tuebingen
Classification: Uncertain significance. Last evaluated: 2024-11-01. Review status: criteria provided, single submitter. Criteria: CeGaT Center For Human Genetics Tuebingen Variant Classification Criteria Version 2. Collection method: clinical testing. Allele origin: germline. Affected: yes. Observed: 1 variant allele.
Comment: SYNE1: PM2, BP4